The following is an entry in ClinVar:

ClinVar aggregate classification (germline): Uncertain significance (1 of 4 stars; one submission).

Conditions:
Neuronal ceroid lipofuscinosis 5 (CLN5). Also called: CEROID LIPOFUSCINOSIS, NEURONAL, 5, VARIABLE AGE AT ONSET; Neuronal ceroid lipofuscinosis Finnish variant; NEURONAL CEROID LIPOFUSCINOSIS, LATE INFANTILE, FINNISH VARIANT; CLN5-Related Neuronal Ceroid-Lipofuscinosis. Identifiers: Orphanet 168491, Orphanet 228360, MedGen C1850442, MONDO:0009745, OMIM 256731.

Submission:

Myriad Genetics, Inc.
Classification: Uncertain significance for Neuronal ceroid lipofuscinosis 5. Last evaluated: 2026-01-27. Review status: criteria provided, single submitter. Criteria: Myriad Autosomal Dominant, Autosomal Recessive and X-Linked Classification Criteria (2023). Collection method: clinical testing. Allele origin: unknown.
Comment: NM_006493.2(CLN5):c.427G>T(V143F) is a missense variant classified as a variant of uncertain significance in the context of CLN5-related neuronal ceroid lipofuscinosis. V143F has been observed in a case with relevant disease (PMID: 36737246). Relevant functional assessments of this variant are not available in the literature. V143F has not been observed in referenced population frequency databases. In summary, there is insufficient evidence to classify NM_006493.2(CLN5):c.427G>T(V143F) as pathogenic or benign. Please note: this variant was assessed in the context of healthy population screening.

Literature cited by the submitters: PubMed 36737246.

NM_006493.4(CLN5):c.280G>T (p.Val94Phe)

Gene: CLN5 (CLN5 lysosomal BMP synthase; plus strand). Cytogenetic location: 13q22.3.
Variant type: single nucleotide variant.
Coding change: c.280G>T on transcript NM_006493.4 (MANE Select); coding-DNA position 280, G replaced by T.
Protein change: p.Val94Phe; replaces valine 94 with phenylalanine.
Molecular consequence: missense variant.
Genome position (GRCh38, 1-based): chr13:76,995,169, G>T. VCF-style: chr13-76995169-G-T. GRCh37 (hg19) VCF-style: chr13-77569304-G-T.
Other names: c.280G>T, p.Val94Phe (NM_001366624.2); short protein forms V143F, V94F.
Identifiers: ClinVar variation 5003339 (VCV005003339.1).
Genomic context (GRCh38, chr13:76,995,169, plus strand): 5'-TATACTTTCTGTCCAACTGGCTCACCTATCCCAGTTATGGAGGGTGATGATGACATTGAA[G>T]TTTTTCGATTACAAGCCCCAGTATGGGAATTTAAATATGGAGACCTCCTGGGACACTTGG-3'
Protein context (NP_006484.2, residues 84-104): PVMEGDDDIE[Val94Phe]FRLQAPVWEF